The following is an entry in ClinVar:

ClinVar aggregate classification (germline): Conflicting classifications of pathogenicity. Review status: criteria provided, conflicting classifications (1 of 4 stars). 3 submissions from 3 submitters: Uncertain significance (2); Likely benign (1). Last evaluated 2025-12-26.

Conditions:
Malignant hyperthermia, susceptibility to, 5 (MHS5). Also called: CACNA1S-Related Malignant Hyperthermia Susceptibility. Identifiers: Orphanet 423, MedGen C1866077, MONDO:0011163, OMIM 601887.
Hypokalemic periodic paralysis, type 1. Also called: Hypokalemic Periodic Paralysis Type 1 (AD); HypoPP. Identifiers: Orphanet 681, MedGen C3714580, MONDO:0042979, OMIM 170400.

gnomAD v4.1: 1 of 1,613,980 alleles (0.000062%); highest among the groups gnomAD compares: Non-Finnish European, 0.000085%; no homozygotes.

Submissions (3):

Labcorp Genetics (formerly Invitae), Labcorp
Classification: Likely benign for Hypokalemic periodic paralysis, type 1; Malignant hyperthermia, susceptibility to, 5. Last evaluated: 2025-12-26. Review status: criteria provided, single submitter. Criteria: Invitae Variant Classification Sherloc (09022015). Collection method: clinical testing. Allele origin: germline.

All of Us Research Program, National Institutes of Health
Classification: Uncertain significance for Malignant hyperthermia, susceptibility to, 5. Last evaluated: 2024-06-11. Review status: criteria provided, single submitter. Criteria: ACMG Guidelines, 2015. Collection method: clinical testing. Allele origin: germline. Inheritance: Autosomal dominant inheritance. Observed: 2 variant alleles, 2 heterozygotes.
Comment: This variant causes a C to G nucleotide substitution at the -5 position of intron 39 of the CACNA1S gene. To our knowledge, functional studies have not been reported for this variant. This variant has not been reported in individuals affected with CACNA1S-related disorders in the literature. This variant has not been identified in the general population by the Genome Aggregation Database (gnomAD). The available evidence is insufficient to determine the role of this variant in disease conclusively. Therefore, this variant is classified as a Variant of Uncertain Significance.

This study involves interpretation of variants in research participants for the purpose of population health screening. Participant phenotype was not available at the time of variant classification. Additional details can be found in publication PMID: 35346344, PMCID: PMC8962531

Color Diagnostics, LLC DBA Color Health
Classification: Uncertain significance for Malignant hyperthermia, susceptibility to, 5. Last evaluated: 2024-02-07. Review status: criteria provided, single submitter. Criteria: ACMG Guidelines, 2015. Collection method: clinical testing. Allele origin: germline.
Comment: This variant causes a C to G nucleotide substitution at the -5 position of intron 39 of the CACNA1S gene. To our knowledge, functional studies have not been reported for this variant. This variant has not been reported in individuals affected with CACNA1S-related disorders in the literature. This variant has not been identified in the general population by the Genome Aggregation Database (gnomAD). The available evidence is insufficient to determine the role of this variant in disease conclusively. Therefore, this variant is classified as a Variant of Uncertain Significance.

NM_000069.3(CACNA1S):c.4798-5C>G

Gene: CACNA1S (calcium voltage-gated channel subunit alpha1 S; minus strand). Cytogenetic location: 1q32.1.
Variant type: single nucleotide variant.
Coding change: c.4798-5C>G on transcript NM_000069.3 (MANE Select); 5 bases into the intron before coding-DNA position 4798, C replaced by G.
Molecular consequence: intron variant.
Genome position (GRCh38, 1-based): chr1:201,043,536, G>C on the plus strand (C>G on the coding strand, the complement: CACNA1S is on the minus strand). VCF-style: chr1-201043536-G-C. GRCh37 (hg19) VCF-style: chr1-201012664-G-C.
Identifiers: ClinVar variation 2927285 (VCV002927285.5), dbSNP rs375500585, ClinGen allele CA730082558.
Genomic context (GRCh38, chr1:201,043,536, plus strand): 5'-AGGGAGTTGGTCCTTTCCAGGAAGTTGTCCACCTGGCCAAACAGGCCTCCAGTCCTCTAG[G>C]GGCAAGGAGAAGAGCAGTGACTGGGGGTGAGGGCAGGGAGGGCATGGGGGGCTGTCACTC-3'